The following is an entry in ClinVar:

ClinVar aggregate classification (germline): Uncertain significance (1 of 4 stars; one submission).

Conditions:
Familial hypocalciuric hypercalcemia (FHH). Also called: Familial benign hypercalcemia. Identifiers: Orphanet 405, MedGen C1809471, MONDO:0018458.
Autosomal dominant hypocalcemia 1 (HYPOC1). Also called: HYPOCALCEMIA, FAMILIAL. Identifiers: MedGen C3715128, MONDO:0011013, OMIM 601198.

Submission:

Labcorp Genetics (formerly Invitae), Labcorp
Classification: Uncertain significance for Familial hypocalciuric hypercalcemia; Autosomal dominant hypocalcemia 1. Last evaluated: 2019-04-26. Review status: criteria provided, single submitter. Criteria: Invitae Variant Classification Sherloc (09022015). Collection method: clinical testing. Allele origin: germline.
Comment: This sequence change replaces arginine with proline at codon 716 of the CASR protein (p.Arg716Pro). The arginine residue is highly conserved and there is a moderate physicochemical difference between arginine and proline. This variant is not present in population databases (ExAC no frequency). This variant has not been reported in the literature in individuals with CASR-related disease. Algorithms developed to predict the effect of missense changes on protein structure and function (SIFT, PolyPhen-2, Align-GVGD) all suggest that this variant is likely to be disruptive, but these predictions have not been confirmed by published functional studies and their clinical significance is uncertain. In summary, the available evidence is currently insufficient to determine the role of this variant in disease. Therefore, it has been classified as a Variant of Uncertain Significance.

NM_000388.4(CASR):c.2147G>C (p.Arg716Pro)

Gene: CASR (calcium sensing receptor; plus strand). Cytogenetic location: 3q21.1.
Variant type: single nucleotide variant.
Coding change: c.2147G>C on transcript NM_000388.4 (MANE Select); coding-DNA position 2147, G replaced by C.
Protein change: p.Arg716Pro; replaces arginine 716 with proline.
Molecular consequence: missense variant.
Genome position (GRCh38, 1-based): chr3:122,284,101, G>C. VCF-style: chr3-122284101-G-C. GRCh37 (hg19) VCF-style: chr3-122002948-G-C.
Other names: c.2177G>C, p.Arg726Pro (NM_001178065.2); short protein forms R716P, R726P.
Identifiers: ClinVar variation 532597 (VCV000532597.11), dbSNP rs201670662, ClinGen allele CA354158772.